The following is an entry in ClinVar:

ClinVar aggregate classification (germline): Uncertain significance (1 of 4 stars; one submission).

Conditions:
Familial hemophagocytic lymphohistiocytosis 5. Also called: STXBP2-Related Familial Hemophagocytic Lymphohistiocytosis (STXBP2-fHLH). Identifiers: Orphanet 540, MedGen C2751293, MONDO:0013135, OMIM 613101.

gnomAD v4.1: 1 of 1,611,962 alleles (0.000062%); highest among the groups gnomAD compares: Non-Finnish European, 0.000085%; no homozygotes.

Submission:

Labcorp Genetics (formerly Invitae), Labcorp
Classification: Uncertain significance for Familial hemophagocytic lymphohistiocytosis 5. Last evaluated: 2025-10-24. Review status: criteria provided, single submitter. Criteria: Invitae Variant Classification Sherloc (09022015). Collection method: clinical testing. Allele origin: germline.
Comment: This sequence change replaces glutamic acid, which is acidic and polar, with valine, which is neutral and non-polar, at codon 488 of the STXBP2 protein (p.Glu488Val). This variant is not present in population databases (gnomAD no frequency). This variant has not been reported in the literature in individuals affected with STXBP2-related conditions. Invitae Evidence Modeling of protein sequence and biophysical properties (such as structural, functional, and spatial information, amino acid conservation, physicochemical variation, residue mobility, and thermodynamic stability) indicates that this missense variant is not expected to disrupt STXBP2 protein function with a negative predictive value of 95%. In summary, the available evidence is currently insufficient to determine the role of this variant in disease. Therefore, it has been classified as a Variant of Uncertain Significance.

NM_006949.4(STXBP2):c.1463A>T (p.Glu488Val)

Gene: STXBP2 (syntaxin binding protein 2; plus strand). Cytogenetic location: 19p13.2.
Variant type: single nucleotide variant.
Coding change: c.1463A>T on transcript NM_006949.4 (MANE Select); coding-DNA position 1463, A replaced by T.
Protein change: p.Glu488Val; replaces glutamic acid 488 with valine.
Molecular consequence: missense variant. On other transcripts: non-coding transcript variant (1).
Genome position (GRCh38, 1-based): chr19:7,647,172, A>T. VCF-style: chr19-7647172-A-T. GRCh37 (hg19) VCF-style: chr19-7712058-A-T.
Other names: c.1454A>T, p.Glu485Val (NM_001127396.3); c.1496A>T, p.Glu499Val (NM_001272034.2); c.1367A>T, p.Glu456Val (NM_001414484.1); short protein forms E485V, E488V, E456V, E499V.
Identifiers: ClinVar variation 4747466 (VCV004747466.1).
Genomic context (GRCh38, chr19:7,647,172, plus strand): 5'-CCGGACCCCATGCCTGGGGTTCCTCCCCTAACCTGCCTCTCGGCCGCCAGGACGCCGTGG[A>T]GGACCGGCTGGACAGGAACCTGTGGCCCTTCGTATCCGACCCCGCCCCCACGGCCAGCTC-3'
Protein context (NP_008880.2, residues 478-498): VIKDVMEDAV[Glu488Val]DRLDRNLWPF